The following is an entry in ClinVar:

NM_003718.5(CDK13):c.2844C>T (p.Asn948=)

Gene: CDK13 (cyclin dependent kinase 13; plus strand). Cytogenetic location: 7p14.1.
Variant type: single nucleotide variant.
Coding change: c.2844C>T on transcript NM_003718.5 (MANE Select); coding-DNA position 2844, C replaced by T.
Protein change: p.Asn948=; no amino-acid change (asparagine 948 retained).
Molecular consequence: synonymous variant.
Genome position (GRCh38, 1-based): chr7:40,078,068, C>T. VCF-style: chr7-40078068-C-T. GRCh37 (hg19) VCF-style: chr7-40117667-C-T.
Other names: c.2844C>T, p.Asn948= (NM_031267.4).
Identifiers: ClinVar variation 3698314 (VCV003698314.2).

ClinVar aggregate classification (germline): Uncertain significance (1 of 4 stars; one submission).

gnomAD v4.1: 1 of 1,603,724 alleles (0.000062%); highest among the groups gnomAD compares: Admixed American, 0.0017%; no homozygotes.

Submission:

Labcorp Genetics (formerly Invitae), Labcorp
Classification: Uncertain significance. Last evaluated: 2025-05-03. Review status: criteria provided, single submitter. Criteria: Invitae Variant Classification Sherloc (09022015). Collection method: clinical testing. Allele origin: germline.
Comment: This sequence change affects codon 948 of the CDK13 mRNA. It is a 'silent' change, meaning that it does not change the encoded amino acid sequence of the CDK13 protein. This variant is present in population databases (rs775461014, gnomAD 0.003%). This variant has not been reported in the literature in individuals affected with CDK13-related conditions. ClinVar contains an entry for this variant (Variation ID: 3698314). Algorithms developed to predict the effect of sequence changes on RNA splicing suggest that this variant may disrupt the consensus splice site. In summary, the available evidence is currently insufficient to determine the role of this variant in disease. Therefore, it has been classified as a Variant of Uncertain Significance.